The following is an entry in ClinVar:

ClinVar aggregate classification (germline): Conflicting classifications of pathogenicity. Review status: criteria provided, conflicting classifications (1 of 4 stars). 3 submissions from 3 submitters: Uncertain significance (1); Likely benign (2). Last evaluated 2025-12-28.

Conditions:
KCNQ5-related disorder. Also called: KCNQ5-related condition.

gnomAD v4.1: 16 of 1,525,468 alleles (0.001%); highest among the groups gnomAD compares: Non-Finnish European, 0.0013%; no homozygotes.

Submissions (3):

Labcorp Genetics (formerly Invitae), Labcorp
Classification: Uncertain significance. Last evaluated: 2025-12-28. Review status: criteria provided, single submitter. Criteria: Invitae Variant Classification Sherloc (09022015). Collection method: clinical testing. Allele origin: germline.
Comment: This sequence change falls in intron 13 of the KCNQ5 gene. It does not directly change the encoded amino acid sequence of the KCNQ5 protein. It affects a nucleotide within the consensus splice site. This variant is present in population databases (rs768839457, gnomAD 0.001%). This variant has not been reported in the literature in individuals affected with KCNQ5-related conditions. Variants that disrupt the consensus splice site are a relatively common cause of aberrant splicing (PMID: 17576681, 9536098). Algorithms developed to predict the effect of sequence changes on RNA splicing suggest that this variant is not likely to affect RNA splicing. In summary, the available evidence is currently insufficient to determine the role of this variant in disease. Therefore, it has been classified as a Variant of Uncertain Significance.

PreventionGenetics, part of Exact Sciences
Classification: Likely benign for KCNQ5-related condition. Last evaluated: 2025-06-26. Review status: criteria provided, single submitter. Criteria: ACMG Guidelines, 2015. Collection method: clinical testing. Allele origin: germline.
Comment: This variant is classified as likely benign based on ACMG/AMP sequence variant interpretation guidelines (Richards et al. 2015 PMID: 25741868, with internal and published modifications).

Blueprint Genetics
Classification: Likely benign. Last evaluated: 2023-10-30. Review status: criteria provided, single submitter. Criteria: ACMG Guidelines, 2015. Collection method: clinical testing. Allele origin: germline.

Literature cited by the submitters: PubMed 17576681 (cited by Labcorp Genetics (formerly Invitae), Labcorp); PubMed 9536098 (cited by Labcorp Genetics (formerly Invitae), Labcorp).

NM_019842.4(KCNQ5):c.1709+6C>G

Gene: KCNQ5 (potassium voltage-gated channel subfamily Q member 5; plus strand). Cytogenetic location: 6q13.
Variant type: single nucleotide variant.
Coding change: c.1709+6C>G on transcript NM_019842.4 (MANE Select); 6 bases into the intron after coding-DNA position 1709, C replaced by G.
Molecular consequence: intron variant.
Genome position (GRCh38, 1-based): chr6:73,190,710, C>G. VCF-style: chr6-73190710-C-G. GRCh37 (hg19) VCF-style: chr6-73900433-C-G.
Other names: c.1766+6C>G (NM_001160133.2, NM_001160133.1); c.1379+6C>G (NM_001160134.2); c.1739+6C>G (NM_001160132.2); c.1682+6C>G (NM_001160130.2).
Identifiers: ClinVar variation 4753093 (VCV004753093.3).
Genomic context (GRCh38, chr6:73,190,710, plus strand): 5'-AATATTCTGCTGGTCATCTGGACATGTTGTGTAGAATTAAAAGCCTTCAAACACGGTAAG[C>G]AATGGAAATGTCATTCCTTGTAAAGGAATGGGCATAGAACCTATCTAGGAAGAACTTCTC-3'